The following is an entry in ClinVar:

ClinVar aggregate classification (germline): Conflicting classifications of pathogenicity. Review status: criteria provided, conflicting classifications (1 of 4 stars). 4 submissions from 4 submitters: Uncertain significance (1); Likely benign (2). 1 of the submissions does not count toward it. Last evaluated 2025-11-10.

Conditions:
Inborn genetic diseases. Identifiers: MedGen C0950123, MeSH D030342.
NRIP1-related disorder. Also called: NRIP1-related condition.

Allele frequency attached by ClinVar (database versions not stated): gnomAD exomes 0.00017 and 0.00043; ExAC 0.00051; 1000 Genomes Project 30x 0.00156; TOPMed 0.00158; gnomAD 0.00174 and 0.00187; 1000 Genomes Project 0.00180; ESP Exome Variant Server 0.00185.
gnomAD v4.1: 520 of 1,613,220 alleles (0.032%); highest among the groups gnomAD compares: African/African-American, 0.63%; 3 homozygotes.

Submissions (4):

Labcorp Genetics (formerly Invitae), Labcorp
Classification: Likely benign. Last evaluated: 2025-11-10. Review status: criteria provided, single submitter. Criteria: Invitae Variant Classification Sherloc (09022015). Collection method: clinical testing. Allele origin: germline.

Ambry Genetics
Classification: Uncertain significance for Inborn genetic diseases. Last evaluated: 2024-10-20. Review status: criteria provided, single submitter. Criteria: Ambry Variant Classification Scheme 2023. Collection method: clinical testing. Allele origin: germline.

Breakthrough Genomics
Classification: Likely benign. Review status: criteria provided, single submitter. Criteria: ACMG Guidelines, 2015. Collection method: not provided. Allele origin: germline. Inheritance: Autosomal dominant inheritance. Affected: yes.

PreventionGenetics, part of Exact Sciences
Classification: Benign for NRIP1-related condition. Last evaluated: 2020-09-22. Review status: no assertion criteria provided. Collection method: clinical testing. Allele origin: germline. Not counted in ClinVar's aggregate classification.
Comment: This variant is classified as benign based on ACMG/AMP sequence variant interpretation guidelines (Richards et al. 2015 PMID: 25741868, with internal and published modifications).

NM_003489.4(NRIP1):c.3303G>C (p.Gln1101His)

Gene: NRIP1 (nuclear receptor interacting protein 1; minus strand). Cytogenetic location: 21q11.2.
Variant type: single nucleotide variant.
Coding change: c.3303G>C on transcript NM_003489.4 (MANE Select); coding-DNA position 3303, G replaced by C.
Protein change: p.Gln1101His; replaces glutamine 1101 with histidine.
Molecular consequence: missense variant.
Genome position (GRCh38, 1-based): chr21:14,964,890, C>G on the plus strand (G>C on the coding strand, the complement: NRIP1 is on the minus strand). VCF-style: chr21-14964890-C-G. GRCh37 (hg19) VCF-style: chr21-16337211-C-G.
Other names: short protein forms Q1101H.
Identifiers: ClinVar variation 726431 (VCV000726431.13), dbSNP rs74503862, ClinGen allele CA9980990.
Genomic context (GRCh38, chr21:14,964,890, plus strand): 5'-TAAATTAAAGAAAGAAGCTTTCGTTTCTGCAGTAGGAAGTAACTCTTCTTTGGCTGTGAC[C>G]TGTGAGACACTTTCAGCAGATGAAGCCTCCCTCCAAATGTCCTTGTCTTGTGTTTCTCGA-3'
Protein context (NP_003480.2, residues 1091-1111): REASSAESVS[Gln1101His]VTAKEELLPT